The following is an entry in ClinVar:

ClinVar aggregate classification (germline): Uncertain significance. Review status: criteria provided, multiple submitters, no conflicts (2 of 4 stars). 2 submissions from 2 submitters: Uncertain significance (2). Last evaluated 2025-08-11.

Allele frequency attached by ClinVar (database versions not stated): gnomAD exomes 0.00001.
gnomAD v4.1: 18 of 1,613,870 alleles (0.0011%); highest among the groups gnomAD compares: Admixed American, 0.0017%; no homozygotes.

Submissions (2):

Ambry Genetics
Classification: Uncertain significance. Last evaluated: 2025-08-11. Review status: criteria provided, single submitter. Criteria: Ambry Variant Classification Scheme 2023. Collection method: clinical testing. Allele origin: germline.

Labcorp Genetics (formerly Invitae), Labcorp
Classification: Uncertain significance. Last evaluated: 2023-11-13. Review status: criteria provided, single submitter. Criteria: Invitae Variant Classification Sherloc (09022015). Collection method: clinical testing. Allele origin: germline.
Comment: This sequence change replaces proline, which is neutral and non-polar, with leucine, which is neutral and non-polar, at codon 325 of the MCM4 protein (p.Pro325Leu). This variant is not present in population databases (gnomAD no frequency). This variant has not been reported in the literature in individuals affected with MCM4-related conditions. ClinVar contains an entry for this variant (Variation ID: 2070290). Advanced modeling of protein sequence and biophysical properties (such as structural, functional, and spatial information, amino acid conservation, physicochemical variation, residue mobility, and thermodynamic stability) performed at Invitae indicates that this missense variant is expected to disrupt MCM4 protein function with a positive predictive value of 80%. In summary, the available evidence is currently insufficient to determine the role of this variant in disease. Therefore, it has been classified as a Variant of Uncertain Significance.

NM_182746.3(MCM4):c.974C>T (p.Pro325Leu)

Gene: MCM4 (minichromosome maintenance complex component 4; plus strand). Cytogenetic location: 8q11.21.
Variant type: single nucleotide variant.
Coding change: c.974C>T on transcript NM_182746.3 (MANE Select); coding-DNA position 974, C replaced by T.
Protein change: p.Pro325Leu; replaces proline 325 with leucine.
Molecular consequence: missense variant.
Genome position (GRCh38, 1-based): chr8:47,966,328, C>T. VCF-style: chr8-47966328-C-T. GRCh37 (hg19) VCF-style: chr8-48878888-C-T.
Other names: c.974C>T (NM_005914.3); c.974C>T, p.Pro325Leu (NM_005914.4); short protein forms P325L.
Identifiers: ClinVar variation 2070290 (VCV002070290.3), dbSNP rs927538791, ClinGen allele CA176156156.